The following is an entry in ClinVar:

NM_000245.4(MET):c.2658C>T (p.His886=)

Gene: MET (MET proto-oncogene, receptor tyrosine kinase; plus strand). Cytogenetic location: 7q31.2.
Variant type: single nucleotide variant.
Coding change: c.2658C>T on transcript NM_000245.4 (MANE Select); coding-DNA position 2658, C replaced by T.
Protein change: p.His886=; no amino-acid change (histidine 886 retained).
Molecular consequence: synonymous variant.
Genome position (GRCh38, 1-based): chr7:116,769,719, C>T. VCF-style: chr7-116769719-C-T. GRCh37 (hg19) VCF-style: chr7-116409773-C-T.
Other names: c.2712C>T (NM_001127500.2); c.2712C>T, p.His904= (NM_001127500.3); c.2658C>T, p.His886= (NM_001324401.3); c.1368C>T, p.His456= (NM_001324402.2).
Identifiers: ClinVar variation 215790 (VCV000215790.23), dbSNP rs748950533, ClinGen allele CA339163.
Genomic context (GRCh38, chr7:116,769,719, plus strand): 5'-CCCTGAAGCAGTTAAAGGTGAAGTGTTAAAAGTTGGAAATAAGAGCTGTGAGAATATACA[C>T]TTACATTCTGAAGCCGTTTTATGCACGGTCCCCAATGACCTGCTGAAATTGAACAGCGAG-3'
Protein context (NP_000236.2, residues 876-896): KVGNKSCENI[His886=]LHSEAVLCTV

ClinVar aggregate classification (germline): Benign/Likely benign. Review status: criteria provided, multiple submitters, no conflicts (2 of 4 stars). 8 submissions from 8 submitters: Benign (2); Likely benign (6). Last evaluated 2026-01-28.

Conditions:
Renal cell carcinoma. Identifiers: Orphanet 217071, MedGen C0007134, MeSH D002292, MONDO:0005086, HP:0005584.
MET-related disorder. Also called: MET-related condition.
Hereditary cancer-predisposing syndrome. Also called: Neoplastic Syndromes, Hereditary; Tumor predisposition; Hereditary Cancer Syndrome; Hereditary neoplastic syndrome. Identifiers: Orphanet 140162, MedGen C0027672, MeSH D009386, MONDO:0015356.
Papillary renal cell carcinoma type 1 (RCCP1). Also called: Renal adenocarcinoma; Renal cell carcinoma 1; Renal cell carcinoma, somatic; RENAL CELL CARCINOMA, PAPILLARY, 1, SOMATIC. Identifiers: Orphanet 47044, MedGen C1336839, OMIM 605074, HP:0011797.

Allele frequency attached by ClinVar (database versions not stated): gnomAD 0.00003; TOPMed 0.00005; ExAC 0.00006.
gnomAD v4.1: 83 of 1,612,918 alleles (0.0051%); highest among the groups gnomAD compares: Non-Finnish European, 0.0018%; no homozygotes.

Submissions (8):

Labcorp Genetics (formerly Invitae), Labcorp
Classification: Benign for Renal cell carcinoma. Last evaluated: 2026-01-28. Review status: criteria provided, single submitter. Criteria: Invitae Variant Classification Sherloc (09022015). Collection method: clinical testing. Allele origin: germline.

Center for Genomic Medicine, Rigshospitalet, Copenhagen University Hospital
Classification: Likely benign. Last evaluated: 2025-12-29. Review status: criteria provided, single submitter. Criteria: ACMG Guidelines, 2015. Collection method: clinical testing. Allele origin: germline.

PreventionGenetics, part of Exact Sciences
Classification: Likely benign for MET-related condition. Last evaluated: 2025-12-09. Review status: criteria provided, single submitter. Criteria: ACMG Guidelines, 2015. Collection method: clinical testing. Allele origin: germline.
Comment: This variant is classified as likely benign based on ACMG/AMP sequence variant interpretation guidelines (Richards et al. 2015 PMID: 25741868, with internal and published modifications).

Blueprint Genetics
Classification: Likely benign. Last evaluated: 2024-11-21. Review status: criteria provided, single submitter. Criteria: ACMG Guidelines, 2015. Collection method: clinical testing. Allele origin: germline.

Myriad Genetics, Inc.
Classification: Benign for Papillary renal cell carcinoma type 1. Last evaluated: 2024-11-12. Review status: criteria provided, single submitter. Criteria: Myriad Autosomal Dominant, Autosomal Recessive and X-Linked Classification Criteria (2023). Collection method: clinical testing. Allele origin: unknown.
Comment: This variant is considered benign. This variant is a silent/synonymous amino acid change and it is not expected to impact splicing.

Sema4
Classification: Likely benign for Hereditary cancer-predisposing syndrome. Last evaluated: 2021-07-12. Review status: criteria provided, single submitter. Criteria: Sema4 Curation Guidelines. Collection method: curation. Allele origin: germline.

GeneDx
Classification: Likely benign. Last evaluated: 2020-12-15. Review status: criteria provided, single submitter. Criteria: GeneDx Variant Classification Process June 2021. Collection method: clinical testing. Allele origin: germline. Affected: yes.

Ambry Genetics
Classification: Likely benign for Hereditary cancer-predisposing syndrome. Last evaluated: 2015-06-06. Review status: criteria provided, single submitter. Criteria: Ambry Variant Classification Scheme 2023. Collection method: clinical testing. Allele origin: germline.